The following is an entry in ClinVar:

ClinVar aggregate classification (germline): Pathogenic (1 of 4 stars; one submission).

Conditions:
Autosomal recessive early-onset Parkinson disease 6 (PARK6). Also called: PARKINSON DISEASE 6, EARLY-ONSET; PARKINSON DISEASE 6, MODIFIER OF; PINK1-Related Parkinson Disease; PINK1 Type of Young-Onset Parkinson Disease. Identifiers: Orphanet 2828, MedGen C1853833, MONDO:0011613, OMIM 605909.

Submission:

Labcorp Genetics (formerly Invitae), Labcorp
Classification: Pathogenic for Autosomal recessive early-onset Parkinson disease 6. Last evaluated: 2020-03-12. Review status: criteria provided, single submitter. Criteria: Invitae Variant Classification Sherloc (09022015). Collection method: clinical testing. Allele origin: germline.
Comment: This variant is an out-of-frame deletion of the genomic region encompassing exon 5 of the PINK1 gene. This is expected to create a premature translational stop signal and result in an absent or disrupted protein product. This variant has been observed in individual(s) with early-onset Parkinson's disease (PMID: 23880019). It has also been observed to segregate with disease in related individuals. Loss-of-function variants in PINK1 are known to be pathogenic (PMID: 15087508, 15349870). For these reasons, this variant has been classified as Pathogenic.

Literature cited by the submitters: PubMed 23880019; PubMed 15087508; PubMed 15349870.

NC_000001.10:g.(?_20972043)_(20972226_?)del

Gene: PINK1 (PTEN induced kinase 1; plus strand). Cytogenetic location: 1p36.12.
Variant type: Deletion.
Identifiers: ClinVar variation 1074575 (VCV001074575.1).